The following is an entry in ClinVar:

NM_000455.5(STK11):c.836_837delinsCT (p.Gly279Ala)

Gene: STK11 (serine/threonine kinase 11; plus strand). Cytogenetic location: 19p13.3.
Variant type: Indel.
Coding change: c.836_837delinsCT on transcript NM_000455.5 (MANE Select); coding-DNA positions 836 to 837, GC replaced by CT.
Protein change: p.Gly279Ala; replaces glycine 279 with alanine.
Molecular consequence: missense variant.
Genome position (GRCh38, 1-based): chr19:1,221,314-1,221,315, GC replaced by CT. VCF-style: chr19-1221314-GC-CT. GRCh37 (hg19) VCF-style: chr19-1221313-GC-CT.
Other names: c.836_837delGCinsCT (NM_000455.4); short protein forms G279A.
Identifiers: ClinVar variation 371980 (VCV000371980.18), dbSNP rs1057517603, ClinGen allele CA16042183.
Genomic context (GRCh38, chr19:1,221,314, plus strand): 5'-ACATCTACAAGTTGTTTGAGAACATCGGGAAGGGGAGCTACGCCATCCCGGGCGACTGTG[GC>CT]CCCCCGCTCTCTGACCTGCTGAAAGGTGGGAGCCTCATCCCTCTGCCCGCAGCCCCAGGG-3'
Protein context (NP_000446.1, residues 269-289): KGSYAIPGDC[Gly279Ala]PPLSDLLKGM

ClinVar aggregate classification (germline): Uncertain significance. Review status: criteria provided, multiple submitters, no conflicts (2 of 4 stars). 5 submissions from 5 submitters: Uncertain significance (4). 1 of the submissions does not count toward it. Last evaluated 2025-11-10.

Conditions:
Peutz-Jeghers syndrome (PJS). Also called: Peutz-Jeghers polyposis; Periorificial lentiginosis syndrome; POLYPOSIS, HAMARTOMATOUS INTESTINAL; POLYPS-AND-SPOTS SYNDROME. Identifiers: Orphanet 2869, MedGen C0031269, MeSH D010580, MONDO:0008280, OMIM 175200.
Hereditary cancer-predisposing syndrome. Also called: Tumor predisposition; Hereditary Cancer Syndrome; Hereditary neoplastic syndrome; Neoplastic Syndromes, Hereditary. Identifiers: Orphanet 140162, MedGen C0027672, MeSH D009386, MONDO:0015356.

Submissions (5):

Labcorp Genetics (formerly Invitae), Labcorp
Classification: Uncertain significance for Peutz-Jeghers syndrome. Last evaluated: 2025-11-10. Review status: criteria provided, single submitter. Criteria: Invitae Variant Classification Sherloc (09022015). Collection method: clinical testing. Allele origin: germline.
Comment: This sequence change replaces glycine, which is neutral and non-polar, with alanine, which is neutral and non-polar, at codon 279 of the STK11 protein (p.Gly279Ala). Information on the frequency of this variant in the gnomAD database is not available, as this variant may be reported differently in the database. This missense change has been observed in individual(s) with breast cancer (PMID: 26898890). ClinVar contains an entry for this variant (Variation ID: 371980). An algorithm developed to predict the effect of missense changes on protein structure and function (PolyPhen-2) suggests that this variant is likely to be tolerated. In summary, the available evidence is currently insufficient to determine the role of this variant in disease. Therefore, it has been classified as a Variant of Uncertain Significance.

Ambry Genetics
Classification: Uncertain significance for Hereditary cancer-predisposing syndrome. Last evaluated: 2023-11-15. Review status: criteria provided, single submitter. Criteria: Ambry Variant Classification Scheme 2023. Collection method: clinical testing. Allele origin: germline.
Comment: The c.836_837delGCinsCT variant (also known as p.G279A), located in coding exon 6 of the STK11 gene, results from an in-frame deletion of GC and insertion of CT at nucleotide positions 836 to 837. This results in the substitution of the glycine residue for an alanine residue at codon 279, an amino acid with similar properties. This amino acid position is highly conserved in available vertebrate species. In addition, this alteration is predicted to be neutral by in silico analysis (Choi Y et al., PLoS ONE 2012; 7(10):e46688). Since supporting evidence is limited at this time, the clinical significance of this alteration remains unclear.

GeneDx
Classification: Uncertain significance. Last evaluated: 2022-12-13. Review status: criteria provided, single submitter. Criteria: GeneDx Variant Classification Process June 2021. Collection method: clinical testing. Allele origin: germline. Affected: yes.
Comment: Not observed at significant frequency in large population cohorts (gnomAD); In silico analysis supports that this variant does not alter protein structure/function; This variant is associated with the following publications: (PMID: 15863673, 26898890)

Genome-Nilou Lab
Classification: Uncertain significance for Peutz-Jeghers syndrome. Last evaluated: 2021-07-15. Review status: criteria provided, single submitter. Criteria: ACMG Guidelines, 2015. Collection method: clinical testing. Allele origin: germline. Affected: no.

Counsyl
Classification: Uncertain significance for Peutz-Jeghers syndrome. Last evaluated: 2016-10-03. Review status: no assertion criteria provided. Collection method: clinical testing. Allele origin: unknown. Not counted in ClinVar's aggregate classification.

Literature cited by the submitters: PubMed 26898890 (cited by Labcorp Genetics (formerly Invitae), Labcorp and Counsyl).